The following is an entry in ClinVar:

ClinVar aggregate classification (germline): Uncertain significance (1 of 4 stars; one submission).

Submission:

GeneDx
Classification: Uncertain significance. Last evaluated: 2026-01-29. Review status: criteria provided, single submitter. Criteria: GeneDx Variant Classification Process June 2021. Collection method: clinical testing. Allele origin: germline.
Comment: Not observed at significant frequency in large population cohorts (gnomAD); In silico analysis supports that this missense variant has a deleterious effect on protein structure/function; Has not been previously published as pathogenic or benign to our knowledge

NM_001605.3(AARS1):c.1394T>C (p.Leu465Pro)

Gene: AARS1 (alanyl-tRNA synthetase 1; minus strand). Cytogenetic location: 16q22.1.
Variant type: single nucleotide variant.
Coding change: c.1394T>C on transcript NM_001605.3 (MANE Select); coding-DNA position 1394, T replaced by C.
Protein change: p.Leu465Pro; replaces leucine 465 with proline.
Molecular consequence: missense variant.
Genome position (GRCh38, 1-based): chr16:70,265,056, A>G on the plus strand (T>C on the coding strand, the complement: AARS1 is on the minus strand). VCF-style: chr16-70265056-A-G. GRCh37 (hg19) VCF-style: chr16-70298959-A-G.
Other names: short protein forms L465P.
Identifiers: ClinVar variation 4975753 (VCV004975753.1).